The following is an entry in ClinVar:

ClinVar aggregate classification (germline): Uncertain significance. Review status: criteria provided, multiple submitters, no conflicts (2 of 4 stars). 2 submissions from 2 submitters: Uncertain significance (2). Last evaluated 2026-02-23.

Conditions:
Hereditary cancer-predisposing syndrome. Also called: Neoplastic Syndromes, Hereditary; Tumor predisposition; Hereditary Cancer Syndrome; Hereditary neoplastic syndrome. Identifiers: Orphanet 140162, MedGen C0027672, MeSH D009386, MONDO:0015356.
Familial adenomatous polyposis 1 (FAP1). Also called: POLYPOSIS, ADENOMATOUS INTESTINAL; FAMILIAL ADENOMATOUS POLYPOSIS 1, ATTENUATED. Identifiers: MedGen C2713442, MONDO:0021056, OMIM 175100. Disease mechanism: loss of function.

Submissions (2):

Ambry Genetics
Classification: Uncertain significance for Hereditary cancer-predisposing syndrome. Last evaluated: 2026-02-23. Review status: criteria provided, single submitter. Criteria: Ambry Variant Classification Scheme 2023. Collection method: clinical testing. Allele origin: germline.
Comment: The p.Q667K variant (also known as c.1999C>A), located in coding exon 15 of the APC gene, results from a C to A substitution at nucleotide position 1999. The glutamine at codon 667 is replaced by lysine, an amino acid with similar properties. This amino acid position is conserved. In addition, in silico predictors for this gene do not accurately predict pathogenicity. Based on the available evidence, the clinical significance of this variant remains unclear.

Labcorp Genetics (formerly Invitae), Labcorp
Classification: Uncertain significance for Familial adenomatous polyposis 1. Last evaluated: 2022-04-01. Review status: criteria provided, single submitter. Criteria: Invitae Variant Classification Sherloc (09022015). Collection method: clinical testing. Allele origin: germline.
Comment: In summary, the available evidence is currently insufficient to determine the role of this variant in disease. Therefore, it has been classified as a Variant of Uncertain Significance. Algorithms developed to predict the effect of missense changes on protein structure and function are either unavailable or do not agree on the potential impact of this missense change (SIFT: "Deleterious"; PolyPhen-2: "Benign"; Align-GVGD: "Class C15"). This variant has not been reported in the literature in individuals affected with APC-related conditions. This variant is not present in population databases (gnomAD no frequency). This sequence change replaces glutamine, which is neutral and polar, with lysine, which is basic and polar, at codon 667 of the APC protein (p.Gln667Lys).

NM_000038.6(APC):c.1999C>A (p.Gln667Lys)

Gene: APC (APC regulator of Wnt signaling pathway; plus strand). Cytogenetic location: 5q22.2.
Variant type: single nucleotide variant.
Coding change: c.1999C>A on transcript NM_000038.6 (MANE Select); coding-DNA position 1999, C replaced by A.
Protein change: p.Gln667Lys; replaces glutamine 667 with lysine.
Molecular consequence: missense variant.
Genome position (GRCh38, 1-based): chr5:112,837,593, C>A. VCF-style: chr5-112837593-C-A. GRCh37 (hg19) VCF-style: chr5-112173290-C-A.
Other names: c.1999C>A, p.Gln667Lys (NM_001127510.3, NM_001354895.2); c.1945C>A, p.Gln649Lys (NM_001127511.3); c.2053C>A, p.Gln685Lys (NM_001354896.2); c.2029C>A, p.Gln677Lys (NM_001354897.2); c.1924C>A, p.Gln642Lys (NM_001354898.2); c.1915C>A, p.Gln639Lys (NM_001354899.2); c.1876C>A, p.Gln626Lys (NM_001354900.2); c.1822C>A, p.Gln608Lys (NM_001354901.2); and 6 more; short protein forms Q384K, Q576K, Q608K, Q507K, Q541K, Q566K, Q639K, Q649K.
Identifiers: ClinVar variation 1470113 (VCV001470113.9), dbSNP rs876660130, ClinGen allele CA16025684.